The following is an entry in ClinVar:

ClinVar aggregate classification (germline): Pathogenic (1 of 4 stars; one submission).

Conditions:
Hereditary diffuse leukoencephalopathy with spheroids. Also called: LEUKOENCEPHALOPATHY, ADULT-ONSET, WITH AXONAL SPHEROIDS AND PIGMENTED GLIA. Identifiers: Orphanet 313808, MedGen C3711381, MONDO:0030796.

Submission:

Diagnostics Services (NGS), CSIR - Centre For Cellular And Molecular Biology
Classification: Pathogenic for Leukoencephalopathy, diffuse hereditary, with spheroids 1. Last evaluated: 2020-09-01. Review status: criteria provided, single submitter. Criteria: ACMG Guidelines, 2015. Collection method: clinical testing. Allele origin: unknown. Inheritance: Autosomal dominant inheritance. Affected: yes. Observed: 1 heterozygote.
Comment: The c.1969+1G>A variant is not present in publicly available population databases like 1000 Genomes, Exome Variant Server (EVS), Exome Aggregation Consortium (ExAC), Genome Aggregation Database (gnomAD) and dbSNP. The variant is not present in our in-house exome database. The variant was not reported to ClinVar, Human Genome Mutation Database database (HGMD) and OMIM databases in any affected individuals. In-silico pathogenicity prediction programs like MutationTaster2, CADD etc. predicted this variant to be likely deleterious.The variant is predicted to affect splicing of the mRNA by causing alteration of the wild type donor splice-site as also predicted by Human Splicing Finder (Genomnis). The variant meets our criteria to be classified as pathogenic.

NM_001288705.3(CSF1R):c.1969+1G>A

Gene: CSF1R (colony stimulating factor 1 receptor; minus strand). Cytogenetic location: 5q32.
Variant type: single nucleotide variant.
Coding change: c.1969+1G>A on transcript NM_001288705.3 (MANE Select); the canonical splice donor site of the intron after coding-DNA position 1969, G replaced by A.
Molecular consequence: splice donor variant.
Genome position (GRCh38, 1-based): chr5:150,060,861, C>T on the plus strand (G>A on the coding strand, the complement: CSF1R is on the minus strand). VCF-style: chr5-150060861-C-T. GRCh37 (hg19) VCF-style: chr5-149440424-C-T.
Other names: c.1525+1G>A (NM_001375321.1); c.1969+1G>A (NM_005211.4, NM_001375320.1, NM_001349736.2).
Identifiers: ClinVar variation 978469 (VCV000978469.5), dbSNP rs1757478199, ClinGen allele CA361713725.
Genomic context (GRCh38, chr5:150,060,861, plus strand): 5'-GGGGCCCTGAGATTCCCCAGAGGCCCCAAGACCTTGGCCCCAGGAACCCCAAGGCCCTTA[C>T]CTCCATGGGTACAGGCTCCCAGAAGGTTGACGATGTTCTCGTGCTGGCCCAGGTGGCTCA-3'